The following is an entry in ClinVar:

NM_001017995.3(SH3PXD2B):c.1093_1101dup (p.Ile365_Pro367dup)

Gene: SH3PXD2B (SH3 and PX domains 2B; minus strand). Cytogenetic location: 5q35.1.
Variant type: Duplication.
Coding change: c.1093_1101dup on transcript NM_001017995.3 (MANE Select); coding-DNA positions 1093 to 1101, 9 bases duplicated (ATCCCGCCC; older notation c.1093_1101dupATCCCGCCC).
Protein change: p.Ile365_Pro367dup.
Molecular consequence: inframe insertion.
Genome position (GRCh38, 1-based): chr5:172,346,223-172,346,231, GGGCGGGAT duplicated on the plus strand (ATCCCGCCC on the coding strand, the reverse complement: SH3PXD2B is on the minus strand); duplicating any 9 consecutive bases within chr5:172,346,223-172,346,237 gives the same sequence; the c. name uses the placement nearest the transcript's 3' end. VCF-style (leftmost placement, unchanged base first): chr5-172346222-G-GGGGCGGGAT. GRCh37 (hg19) VCF-style: chr5-171773226-G-GGGGCGGGAT.
Other names: c.1093_1101dup, p.Ile365_Pro367dup (NM_001308175.2).
Identifiers: ClinVar variation 1345312 (VCV001345312.8), dbSNP rs2113275048, ClinGen allele CA2573139376.

ClinVar aggregate classification (germline): Uncertain significance (1 of 4 stars; one submission).

Submission:

Labcorp Genetics (formerly Invitae), Labcorp
Classification: Uncertain significance. Last evaluated: 2020-11-10. Review status: criteria provided, single submitter. Criteria: Invitae Variant Classification Sherloc (09022015). Collection method: clinical testing. Allele origin: germline.
Comment: This variant, c.1093_1101dup, results in the insertion of 3 amino acid(s) to the SH3PXD2B protein (p.Ile365_Pro367dup), but otherwise preserves the integrity of the reading frame. This variant is not present in population databases (ExAC no frequency). This variant has not been reported in the literature in individuals with SH3PXD2B-related conditions. Experimental studies and prediction algorithms are not available or were not evaluated, and the functional significance of this variant is currently unknown. In summary, the available evidence is currently insufficient to determine the role of this variant in disease. Therefore, it has been classified as a Variant of Uncertain Significance.